The following is an entry in ClinVar:

ClinVar aggregate classification (germline): Uncertain significance (1 of 4 stars; one submission).

Conditions:
Cardiomyopathy (CMYO). Also called: Cardiomyopathies. Identifiers: Orphanet 167848, MedGen C0878544, MONDO:0004994, HP:0001638. Inheritance: Various modes of inheritance.

Allele frequency attached by ClinVar (database versions not stated): gnomAD exomes 0.00001.

Submission:

Color Diagnostics, LLC DBA Color Health
Classification: Uncertain significance for Cardiomyopathy. Last evaluated: 2024-03-06. Review status: criteria provided, single submitter. Criteria: ACMG Guidelines, 2015. Collection method: clinical testing. Allele origin: germline.
Comment: This missense variant replaces methionine with threonine at codon 1599 of the RYR2 protein. Computational prediction is inconclusive regarding the impact of this variant on protein structure and function (internally defined REVEL score threshold 0.5 < inconclusive < 0.7, PMID: 27666373). Splice site prediction tools suggest that this variant may not impact RNA splicing. To our knowledge, functional studies have not been performed for this variant. This variant has not been reported in individuals affected with cardiovascular disorders in the literature. This variant has been identified in 2/247984 chromosomes in the general population by the Genome Aggregation Database (gnomAD). The available evidence is insufficient to determine the role of this variant in disease conclusively. Therefore, this variant is classified as a Variant of Uncertain Significance.

NM_001035.3(RYR2):c.4796T>C (p.Met1599Thr)

Gene: RYR2 (ryanodine receptor 2; plus strand). Cytogenetic location: 1q43.
Variant type: single nucleotide variant.
Coding change: c.4796T>C on transcript NM_001035.3 (MANE Select); coding-DNA position 4796, T replaced by C.
Protein change: p.Met1599Thr; replaces methionine 1599 with threonine.
Molecular consequence: missense variant.
Genome position (GRCh38, 1-based): chr1:237,610,874, T>C. VCF-style: chr1-237610874-T-C. GRCh37 (hg19) VCF-style: chr1-237774174-T-C.
Other names: short protein forms M1599T.
Identifiers: ClinVar variation 923912 (VCV000923912.4), dbSNP rs1250300972, ClinGen allele CA345402595.